The following is an entry in ClinVar:

NM_025114.4(CEP290):c.256C>A (p.Gln86Lys)

Gene: CEP290 (centrosomal protein 290; minus strand). Cytogenetic location: 12q21.32.
Variant type: single nucleotide variant.
Coding change: c.256C>A on transcript NM_025114.4 (MANE Select); coding-DNA position 256, C replaced by A.
Protein change: p.Gln86Lys; replaces glutamine 86 with lysine.
Molecular consequence: missense variant.
Genome position (GRCh38, 1-based): chr12:88,139,186, G>T on the plus strand (C>A on the coding strand, the complement: CEP290 is on the minus strand). VCF-style: chr12-88139186-G-T. GRCh37 (hg19) VCF-style: chr12-88532963-G-T.
Other names: short protein forms Q86K.
Identifiers: ClinVar variation 962285 (VCV000962285.11), dbSNP rs1004064531, ClinGen allele CA241166995.

ClinVar aggregate classification (germline): Uncertain significance. Review status: criteria provided, multiple submitters, no conflicts (2 of 4 stars). 2 submissions from 2 submitters: Uncertain significance (2). Last evaluated 2026-03-10.

Conditions:
CEP290-related disorder. Also called: CEP290-related condition; CEP290-related disorders. Identifiers: MedGen CN239314.
Nephronophthisis. Also called: Juvenile Nephronophthisis. Identifiers: Orphanet 655, MedGen C0687120, MONDO:0019005, HP:0000090.
Meckel-Gruber syndrome. Also called: GRUBER SYNDROME; Dysencephalia splachnocystica; DYSENCEPHALIA SPLANCHNOCYSTICA. Identifiers: Orphanet 564, MedGen C0265215, MONDO:0018921.
Joubert syndrome. Also called: Familial aplasia of the vermis; JOUBERT-BOLTSHAUSER SYNDROME. Identifiers: Orphanet 475, MedGen C5979921, MONDO:0018772.

Allele frequency attached by ClinVar (database versions not stated): TOPMed below 0.00001.
gnomAD v4.1: 10 of 1,129,282 alleles (0.00089%); highest among the groups gnomAD compares: South Asian, 0.0056%; no homozygotes.

Submissions (2):

PreventionGenetics, part of Exact Sciences
Classification: Uncertain significance for CEP290-related condition. Last evaluated: 2026-03-10. Review status: criteria provided, single submitter. Criteria: ACMG Guidelines, 2015. Collection method: clinical testing. Allele origin: germline.
Comment: The CEP290 c.256C>A variant is predicted to result in the amino acid substitution p.Gln86Lys. To our knowledge, this variant has not been reported in the literature or in a large population database (gnomAD), indicating this variant is rare. At this time, the clinical significance of this variant is uncertain due to the absence of conclusive functional and genetic evidence.

Labcorp Genetics (formerly Invitae), Labcorp
Classification: Uncertain significance for Joubert syndrome; Meckel-Gruber syndrome; Nephronophthisis. Last evaluated: 2022-02-23. Review status: criteria provided, single submitter. Criteria: Invitae Variant Classification Sherloc (09022015). Collection method: clinical testing. Allele origin: germline.
Comment: This sequence change replaces glutamine, which is neutral and polar, with lysine, which is basic and polar, at codon 86 of the CEP290 protein (p.Gln86Lys). This variant is not present in population databases (gnomAD no frequency). This variant has not been reported in the literature in individuals affected with CEP290-related conditions. ClinVar contains an entry for this variant (Variation ID: 962285). Algorithms developed to predict the effect of missense changes on protein structure and function output the following: SIFT: "Tolerated"; PolyPhen-2: "Benign"; Align-GVGD: "Class C0". The lysine amino acid residue is found in multiple mammalian species, which suggests that this missense change does not adversely affect protein function. In summary, the available evidence is currently insufficient to determine the role of this variant in disease. Therefore, it has been classified as a Variant of Uncertain Significance.